The following is an entry in ClinVar:

NM_182706.5(SCRIB):c.3120+10C>G

Gene: SCRIB (scribble planar cell polarity protein; minus strand). Cytogenetic location: 8q24.3.
Variant type: single nucleotide variant.
Coding change: c.3120+10C>G on transcript NM_182706.5 (MANE Select); 10 bases into the intron after coding-DNA position 3120, C replaced by G.
Molecular consequence: intron variant.
Genome position (GRCh38, 1-based): chr8:143,804,036, G>C on the plus strand (C>G on the coding strand, the complement: SCRIB is on the minus strand). VCF-style: chr8-143804036-G-C. GRCh37 (hg19) VCF-style: chr8-144886206-G-C.
Other names: c.3120+10C>G (NM_015356.5).
Identifiers: ClinVar variation 781783 (VCV000781783.7), dbSNP rs201052379, ClinGen allele CA4918846.

ClinVar aggregate classification (germline): Benign/Likely benign. Review status: criteria provided, multiple submitters, no conflicts (2 of 4 stars). 3 submissions from 3 submitters: Benign (1); Likely benign (1). 1 of the submissions does not count toward it. Last evaluated 2024-11-26.

Conditions:
SCRIB-related disorder. Also called: SCRIB-related condition.

Allele frequency attached by ClinVar (database versions not stated): 1000 Genomes Project 0.00080; 1000 Genomes Project 30x 0.00094; gnomAD 0.00115; TOPMed 0.00166; ESP Exome Variant Server 0.00169.
gnomAD v4.1: 3,610 of 1,599,500 alleles (0.23%); highest among the groups gnomAD compares: Non-Finnish European, 0.27%; 10 homozygotes.

Submissions (3):

Blueprint Genetics
Classification: Likely benign. Last evaluated: 2024-11-26. Review status: criteria provided, single submitter. Criteria: ACMG Guidelines, 2015. Collection method: clinical testing. Allele origin: germline.

Labcorp Genetics (formerly Invitae), Labcorp
Classification: Benign. Last evaluated: 2019-12-31. Review status: criteria provided, single submitter. Criteria: Invitae Variant Classification Sherloc (09022015). Collection method: clinical testing. Allele origin: germline.

PreventionGenetics, part of Exact Sciences
Classification: Likely benign for SCRIB-related condition. Last evaluated: 2019-03-15. Review status: no assertion criteria provided. Collection method: clinical testing. Allele origin: germline. Not counted in ClinVar's aggregate classification.
Comment: This variant is classified as likely benign based on ACMG/AMP sequence variant interpretation guidelines (Richards et al. 2015 PMID: 25741868, with internal and published modifications).